The following is an entry in ClinVar:

NM_000057.4(BLM):c.3118C>T (p.Gln1040Ter)

Gene: BLM (BLM RecQ like helicase; plus strand). Cytogenetic location: 15q26.1.
Variant type: single nucleotide variant.
Coding change: c.3118C>T on transcript NM_000057.4 (MANE Select); coding-DNA position 3118, C replaced by T.
Protein change: p.Gln1040Ter; replaces glutamine 1040 with a stop codon.
Molecular consequence: nonsense.
Genome position (GRCh38, 1-based): chr15:90,794,265, C>T. VCF-style: chr15-90794265-C-T. GRCh37 (hg19) VCF-style: chr15-91337495-C-T.
Other names: c.3118C>T, p.Gln1040Ter (NM_001287246.2, NM_001287247.2); c.1993C>T, p.Gln665Ter (NM_001287248.2); short protein forms Q665*, Q1040*.
Identifiers: ClinVar variation 2137743 (VCV002137743.6), dbSNP rs2151187323, ClinGen allele CA393846874.

ClinVar aggregate classification (germline): Pathogenic. Review status: criteria provided, multiple submitters, no conflicts (2 of 4 stars). 3 submissions from 3 submitters: Pathogenic (3). Last evaluated 2026-04-15.

Conditions:
Bloom syndrome (BLM). Also called: Bloom-Torre-Machacek syndrome. Identifiers: Orphanet 125, MedGen C0005859, MONDO:0008876, OMIM 210900.

Allele frequency attached by ClinVar (database versions not stated): gnomAD exomes below 0.00001.
gnomAD v4.1: 1 of 1,606,818 alleles (0.000062%); highest among the groups gnomAD compares: Non-Finnish European, 0.000085%; no homozygotes.

Submissions (3):

Myriad Genetics, Inc.
Classification: Pathogenic for Bloom syndrome. Last evaluated: 2026-04-15. Review status: criteria provided, single submitter. Criteria: Myriad Autosomal Dominant, Autosomal Recessive and X-Linked Classification Criteria (2023). Collection method: clinical testing. Allele origin: unknown.
Comment: This variant is considered pathogenic. This variant creates a termination codon and is predicted to result in premature protein truncation.

Labcorp Genetics (formerly Invitae), Labcorp
Classification: Pathogenic for Bloom syndrome. Last evaluated: 2025-03-18. Review status: criteria provided, single submitter. Criteria: Invitae Variant Classification Sherloc (09022015). Collection method: clinical testing. Allele origin: germline.
Comment: This sequence change creates a premature translational stop signal (p.Gln1040*) in the BLM gene. It is expected to result in an absent or disrupted protein product. Loss-of-function variants in BLM are known to be pathogenic (PMID: 17407155). This variant is not present in population databases (gnomAD no frequency). This premature translational stop signal has been observed in individual(s) with Bloom syndrome (PMID: 17407155). ClinVar contains an entry for this variant (Variation ID: 2137743). Algorithms developed to predict the effect of sequence changes on RNA splicing suggest that this variant may disrupt the consensus splice site. For these reasons, this variant has been classified as Pathogenic.

Baylor Genetics
Classification: Pathogenic for Bloom syndrome. Last evaluated: 2023-11-21. Review status: criteria provided, single submitter. Criteria: ACMG Guidelines, 2015. Collection method: clinical testing. Allele origin: unknown.

Literature cited by the submitters: PubMed 17407155 (cited by Labcorp Genetics (formerly Invitae), Labcorp).